The following is an entry in ClinVar:

ClinVar aggregate classification (germline): Uncertain significance. Review status: criteria provided, multiple submitters, no conflicts (2 of 4 stars). 3 submissions from 3 submitters: Uncertain significance (2). 1 of the submissions does not count toward it. Last evaluated 2026-04-01.

Conditions:
ATP13A2-related disorder. Also called: ATP13A2-related condition; ATP13A2-related disorders.

gnomAD v4.1: 139 of 1,612,050 alleles (0.0086%); highest among the groups gnomAD compares: Non-Finnish European, 0.011%; no homozygotes.

Submissions (3):

CeGaT Center for Human Genetics Tuebingen
Classification: Uncertain significance. Last evaluated: 2026-04-01. Review status: criteria provided, single submitter. Criteria: CeGaT Center For Human Genetics Tuebingen Variant Classification Criteria Version 2. Collection method: clinical testing. Allele origin: germline. Affected: yes. Observed: 1 variant allele.
Comment: ATP13A2: PM2, PP3

GeneDx
Classification: Uncertain significance. Last evaluated: 2024-10-22. Review status: criteria provided, single submitter. Criteria: GeneDx Variant Classification Process June 2021. Collection method: clinical testing. Allele origin: germline. Affected: yes.
Comment: In silico analysis indicates that this missense variant does not alter protein structure/function; Has not been previously published as pathogenic or benign to our knowledge; Reported using an alternate transcript of the gene

PreventionGenetics, part of Exact Sciences
Classification: Likely benign for ATP13A2-related condition. Last evaluated: 2024-08-27. Review status: no assertion criteria provided. Collection method: clinical testing. Allele origin: germline. Not counted in ClinVar's aggregate classification.
Comment: This variant is classified as likely benign based on ACMG/AMP sequence variant interpretation guidelines (Richards et al. 2015 PMID: 25741868, with internal and published modifications).

NM_022089.4(ATP13A2):c.*31A>G

Gene: ATP13A2 (ATPase cation transporting 13A2; minus strand). Cytogenetic location: 1p36.13.
Variant type: single nucleotide variant.
Coding change: c.*31A>G on transcript NM_022089.4 (MANE Select); 31 bases downstream of the stop codon, A replaced by G.
Molecular consequence: 3 prime UTR variant. On other transcripts: missense variant (1).
Genome position (GRCh38, 1-based): chr1:16,986,190, T>C on the plus strand (A>G on the coding strand, the complement: ATP13A2 is on the minus strand). VCF-style: chr1-16986190-T-C. GRCh37 (hg19) VCF-style: chr1-17312685-T-C.
Other names: c.*31A>G (NM_001141973.3); c.3272A>G, p.Asn1091Ser (NM_001141974.3); short protein forms N1091S.
Identifiers: ClinVar variation 3352803 (VCV003352803.4).
Genomic context (GRCh38, chr1:16,986,190, plus strand): 5'-GGAGGTGGTGGCGGTGGTGTTGCTGGAGAGGGGTCCAGTTGGTGGCTCAGAGGCAGGGAG[T>C]TCCAGTGTCTGGGGTGCCCGTGGGCCTGCACTACCTCAGGGGGCCGGCGGGCAGCGGCGG-3'